The following is an entry in ClinVar:

NM_001009944.3(PKD1):c.4441C>A (p.Leu1481Met)

Gene: PKD1 (polycystin 1, transient receptor potential channel interacting; minus strand). Cytogenetic location: 16p13.3.
Variant type: single nucleotide variant.
Coding change: c.4441C>A on transcript NM_001009944.3 (MANE Select); coding-DNA position 4441, C replaced by A.
Protein change: p.Leu1481Met; replaces leucine 1481 with methionine.
Molecular consequence: missense variant.
Genome position (GRCh38, 1-based): chr16:2,110,726, G>T on the plus strand (C>A on the coding strand, the complement: PKD1 is on the minus strand). VCF-style: chr16-2110726-G-T. GRCh37 (hg19) VCF-style: chr16-2160727-G-T.
Other names: c.4441C>A, p.Leu1481Met (NM_000296.4); c.4441C>A (NM_000296.3); short protein forms L1481M.
Identifiers: ClinVar variation 3579520 (VCV003579520.3).

ClinVar aggregate classification (germline): Uncertain significance. Review status: criteria provided, multiple submitters, no conflicts (2 of 4 stars). 3 submissions from 3 submitters: Uncertain significance (3). Last evaluated 2026-01-13.

Conditions:
PKD1-related disorder. Also called: PKD1-related condition.
Inborn genetic diseases. Identifiers: MedGen C0950123, MeSH D030342.
Polycystic kidney disease, adult type (PKD1). Also called: Polycystic Kidney Disease 1, Autosomal Dominant; Polycystic kidney disease 1; Polycystic kidney disease 1, severe; Polycystic Kidney, Autosomal Dominant; POLYCYSTIC KIDNEY DISEASE, ADULT, TYPE I; POLYCYSTIC KIDNEY DISEASE 1 WITH OR WITHOUT POLYCYSTIC LIVER DISEASE. Identifiers: MedGen C3149841, MONDO:0008263, OMIM 173900.

gnomAD v4.1: 10 of 1,610,312 alleles (0.00062%); highest among the groups gnomAD compares: Admixed American, 0.0033%; no homozygotes.

Submissions (3):

PreventionGenetics, part of Exact Sciences
Classification: Uncertain significance for PKD1-related condition. Last evaluated: 2026-01-13. Review status: criteria provided, single submitter. Criteria: ACMG Guidelines, 2015. Collection method: clinical testing. Allele origin: germline.
Comment: The PKD1 c.4441C>A variant is predicted to result in the amino acid substitution p.Leu1481Met. To our knowledge, this variant has not been reported in the literature. This variant is reported in 0.0032% of alleles in individuals of Latino descent in gnomAD. At this time, the clinical significance of this variant is uncertain due to the absence of conclusive functional and genetic evidence.

Ambry Genetics
Classification: Uncertain significance for Inborn genetic diseases. Last evaluated: 2025-12-08. Review status: criteria provided, single submitter. Criteria: Ambry Variant Classification Scheme 2023. Collection method: clinical testing. Allele origin: germline.

Fulgent Genetics
Classification: Uncertain significance for Polycystic kidney disease, adult type. Last evaluated: 2024-01-30. Review status: criteria provided, single submitter. Criteria: ACMG Guidelines, 2015. Collection method: clinical testing. Allele origin: germline.